The following is an entry in ClinVar:

NM_032551.5(KISS1R):c.*3G>C

Gene: KISS1R (KISS1 receptor; plus strand). Cytogenetic location: 19p13.3.
Variant type: single nucleotide variant.
Coding change: c.*3G>C on transcript NM_032551.5 (MANE Select); 3 bases downstream of the stop codon, G replaced by C.
Molecular consequence: 3 prime UTR variant.
Genome position (GRCh38, 1-based): chr19:920,751, G>C. VCF-style: chr19-920751-G-C. GRCh37 (hg19) VCF-style: chr19-920751-G-C.
Identifiers: ClinVar variation 4849161 (VCV004849161.1).

ClinVar aggregate classification (germline): Uncertain significance (1 of 4 stars; one submission).

Submission:

Women's Health and Genetics/Laboratory Corporation of America, LabCorp
Classification: Uncertain significance. Last evaluated: 2026-04-22. Review status: criteria provided, single submitter. Criteria: LabCorp Variant Classification Summary - May 2015. Collection method: clinical testing. Allele origin: germline.
Comment: Variant summary: KISS1R c.*3G>C is located in the untranslated mRNA region downstream of the termination codon. The variant allele was found at a frequency of 4e-05 in 24828 control chromosomes. The available data on variant occurrences in the general population are insufficient to allow any conclusion about variant significance. To our knowledge, no occurrence of c.*3G>C in individuals affected with KISS1R-related conditions and no experimental evidence demonstrating its impact on protein function have been reported. No submitters have cited clinical-significance assessments for this variant to ClinVar. Based on the evidence outlined above, the variant was classified as uncertain significance.